The following is an entry in ClinVar:

NM_001385012.1(NBEA):c.7147A>G (p.Thr2383Ala)

Gene: NBEA (neurobeachin; plus strand). Cytogenetic location: 13q13.3.
Variant type: single nucleotide variant.
Coding change: c.7147A>G on transcript NM_001385012.1 (MANE Select); coding-DNA position 7147, A replaced by G.
Protein change: p.Thr2383Ala; replaces threonine 2383 with alanine.
Molecular consequence: missense variant.
Genome position (GRCh38, 1-based): chr13:35,584,009, A>G. VCF-style: chr13-35584009-A-G. GRCh37 (hg19) VCF-style: chr13-36158146-A-G.
Other names: c.526A>G, p.Thr176Ala (NM_001204197.3); c.7138A>G, p.Thr2380Ala (NM_001379245.1); c.7147A>G, p.Thr2383Ala (NM_015678.5); short protein forms T176A, T2380A, T2383A.
Identifiers: ClinVar variation 2634585 (VCV002634585.1), dbSNP rs1443137560, ClinGen allele CA387981697.

ClinVar aggregate classification (germline): Uncertain significance (1 of 4 stars; one submission).

Conditions:
NBEA-related disorder. Also called: NBEA-related condition.

Allele frequency attached by ClinVar (database versions not stated): gnomAD 0.00001.
gnomAD v4.1: 3 of 1,613,628 alleles (0.00019%); highest among the groups gnomAD compares: Middle Eastern, 0.016%; no homozygotes.

Submission:

PreventionGenetics, part of Exact Sciences
Classification: Uncertain significance for NBEA-related condition. Last evaluated: 2023-03-24. Review status: criteria provided, single submitter. Criteria: ACMG Guidelines, 2015. Collection method: clinical testing. Allele origin: germline.
Comment: The NBEA c.7147A>G variant is predicted to result in the amino acid substitution p.Thr2383Ala. To our knowledge, this variant has not been reported in the literature. This variant is reported in 0.064% of alleles in individuals of East Asian descent in gnomAD (1 allele). Importantly, this locus has poor representation in gnomAD, and therefore the population frequency data should be interpreted with caution. At this time, the clinical significance of this variant is uncertain due to the absence of conclusive functional and genetic evidence.